The following is an entry in ClinVar:

NM_001288705.3(CSF1R):c.158C>A (p.Pro53His)

Gene: CSF1R (colony stimulating factor 1 receptor; minus strand). Cytogenetic location: 5q32.
Variant type: single nucleotide variant.
Coding change: c.158C>A on transcript NM_001288705.3 (MANE Select); coding-DNA position 158, C replaced by A.
Protein change: p.Pro53His; replaces proline 53 with histidine.
Molecular consequence: missense variant. On other transcripts: 5 prime UTR variant (1), non-coding transcript variant (2).
Genome position (GRCh38, 1-based): chr5:150,080,916, G>T on the plus strand (C>A on the coding strand, the complement: CSF1R is on the minus strand). VCF-style: chr5-150080916-G-T. GRCh37 (hg19) VCF-style: chr5-149460479-G-T.
Other names: c.158C>A, p.Pro53His (NM_001349736.2, NM_001375320.1, NM_005211.4); c.-287C>A (NM_001375321.1); short protein forms P53H.
Identifiers: ClinVar variation 1375351 (VCV001375351.6), dbSNP rs777789969, ClinGen allele CA361737001.

ClinVar aggregate classification (germline): Uncertain significance (1 of 4 stars; one submission).

Submission:

Labcorp Genetics (formerly Invitae), Labcorp
Classification: Uncertain significance. Last evaluated: 2021-12-02. Review status: criteria provided, single submitter. Criteria: Invitae Variant Classification Sherloc (09022015). Collection method: clinical testing. Allele origin: germline.
Comment: In summary, the available evidence is currently insufficient to determine the role of this variant in disease. Therefore, it has been classified as a Variant of Uncertain Significance. Advanced modeling of protein sequence and biophysical properties (such as structural, functional, and spatial information, amino acid conservation, physicochemical variation, residue mobility, and thermodynamic stability) performed at Invitae indicates that this missense variant is not expected to disrupt CSF1R protein function. This variant has not been reported in the literature in individuals affected with CSF1R-related conditions. This variant is not present in population databases (gnomAD no frequency). This sequence change replaces proline, which is neutral and non-polar, with histidine, which is basic and polar, at codon 53 of the CSF1R protein (p.Pro53His).